The following is an entry in ClinVar:

NM_004656.4(BAP1):c.120G>C (p.Gln40His)

Gene: BAP1 (BRCA1 associated deubiquitinase 1; minus strand). Cytogenetic location: 3p21.1.
Variant type: single nucleotide variant.
Coding change: c.120G>C on transcript NM_004656.4 (MANE Select); coding-DNA position 120, G replaced by C.
Protein change: p.Gln40His; replaces glutamine 40 with histidine.
Molecular consequence: missense variant.
Genome position (GRCh38, 1-based): chr3:52,409,556, C>G on the plus strand (G>C on the coding strand, the complement: BAP1 is on the minus strand). VCF-style: chr3-52409556-C-G. GRCh37 (hg19) VCF-style: chr3-52443572-C-G.
Other names: c.120G>C (NM_004656.2); short protein forms Q40H.
Identifiers: ClinVar variation 935148 (VCV000935148.9), dbSNP rs1705291920, ClinGen allele CA353114478.

ClinVar aggregate classification (germline): Conflicting classifications of pathogenicity. Review status: criteria provided, conflicting classifications (1 of 4 stars). 3 submissions from 3 submitters: Uncertain significance (2); Benign (1). Last evaluated 2025-01-21.

Conditions:
Hereditary cancer-predisposing syndrome. Also called: Tumor predisposition; Hereditary neoplastic syndrome; Hereditary Cancer Syndrome; Neoplastic Syndromes, Hereditary. Identifiers: Orphanet 140162, MedGen C0027672, MeSH D009386, MONDO:0015356.
BAP1-related tumor predisposition syndrome (TPDS1). Also called: Tumor susceptibility linked to germline BAP1 mutations; COMMON Syndrome; TUMOR PREDISPOSITION SYNDROME 1; BAP1 tumor predisposition syndrome. Identifiers: Orphanet 289539, MedGen C3280492, MONDO:0013692, OMIM 614327.

Allele frequency attached by ClinVar (database versions not stated): gnomAD exomes below 0.00001.

Submissions (3):

Ambry Genetics
Classification: Benign for Hereditary cancer-predisposing syndrome. Last evaluated: 2025-01-21. Review status: criteria provided, single submitter. Criteria: Ambry Variant Classification Scheme 2023. Collection method: clinical testing. Allele origin: germline.

GeneDx
Classification: Uncertain significance. Last evaluated: 2024-11-25. Review status: criteria provided, single submitter. Criteria: GeneDx Variant Classification Process June 2021. Collection method: clinical testing. Allele origin: germline. Affected: yes.
Comment: Not observed at significant frequency in large population cohorts (gnomAD); In silico analysis indicates that this missense variant does not alter protein structure/function; Has not been previously published as pathogenic or benign to our knowledge

Labcorp Genetics (formerly Invitae), Labcorp
Classification: Uncertain significance for BAP1-related tumor predisposition syndrome. Last evaluated: 2019-08-23. Review status: criteria provided, single submitter. Criteria: Invitae Variant Classification Sherloc (09022015). Collection method: clinical testing. Allele origin: germline.
Comment: In summary, the available evidence is currently insufficient to determine the role of this variant in disease. Therefore, it has been classified as a Variant of Uncertain Significance. Algorithms developed to predict the effect of missense changes on protein structure and function (SIFT, PolyPhen-2, Align-GVGD) all suggest that this variant is likely to be tolerated, but these predictions have not been confirmed by published functional studies and their clinical significance is uncertain. This variant has not been reported in the literature in individuals with BAP1-related conditions. This variant is not present in population databases (ExAC no frequency). This sequence change replaces glutamine with histidine at codon 40 of the BAP1 protein (p.Gln40His). The glutamine residue is moderately conserved and there is a small physicochemical difference between glutamine and histidine.

Literature cited by the submitters: PubMed 38969833 (cited by Ambry Genetics).